The following is an entry in ClinVar:

NM_199242.3(UNC13D):c.3194G>A (p.Arg1065Gln)

Gene: UNC13D (unc-13 homolog D; minus strand). Cytogenetic location: 17q25.1.
Variant type: single nucleotide variant.
Coding change: c.3194G>A on transcript NM_199242.3 (MANE Select); coding-DNA position 3194, G replaced by A.
Protein change: p.Arg1065Gln; replaces arginine 1065 with glutamine.
Molecular consequence: missense variant.
Genome position (GRCh38, 1-based): chr17:75,828,044, C>T on the plus strand (G>A on the coding strand, the complement: UNC13D is on the minus strand). VCF-style: chr17-75828044-C-T. GRCh37 (hg19) VCF-style: chr17-73824125-C-T.
Other names: short protein forms R1065Q.
Identifiers: ClinVar variation 2152739 (VCV002152739.2), dbSNP rs373701371, ClinGen allele CA8772229.

ClinVar aggregate classification (germline): Uncertain significance. Review status: criteria provided, multiple submitters, no conflicts (2 of 4 stars). 2 submissions from 2 submitters: Uncertain significance (2). Last evaluated 2024-11-10.

Conditions:
Inborn genetic diseases. Identifiers: MedGen C0950123, MeSH D030342.
Familial hemophagocytic lymphohistiocytosis 3 (FHL3). Also called: UNC13D-Related Familial Hemophagocytic Lymphohistiocytosis (UNC13D-fHLH). Identifiers: Orphanet 540, MedGen C1837174, MONDO:0012146, OMIM 608898.

Allele frequency attached by ClinVar (database versions not stated): gnomAD 0.00004; gnomAD exomes 0.00006; ESP Exome Variant Server 0.00008; TOPMed 0.00008; ExAC 0.00016.
gnomAD v4.1: 96 of 1,578,672 alleles (0.0061%); highest among the groups gnomAD compares: Admixed American, 0.024%; no homozygotes.

Submissions (2):

Ambry Genetics
Classification: Uncertain significance for Inborn genetic diseases. Last evaluated: 2024-11-10. Review status: criteria provided, single submitter. Criteria: Ambry Variant Classification Scheme 2023. Collection method: clinical testing. Allele origin: germline.

Labcorp Genetics (formerly Invitae), Labcorp
Classification: Uncertain significance for Familial hemophagocytic lymphohistiocytosis 3. Last evaluated: 2022-06-15. Review status: criteria provided, single submitter. Criteria: Invitae Variant Classification Sherloc (09022015). Collection method: clinical testing. Allele origin: germline.
Comment: This sequence change replaces arginine, which is basic and polar, with glutamine, which is neutral and polar, at codon 1065 of the UNC13D protein (p.Arg1065Gln). This variant is present in population databases (rs373701371, gnomAD 0.03%). This variant has not been reported in the literature in individuals affected with UNC13D-related conditions. Algorithms developed to predict the effect of missense changes on protein structure and function are either unavailable or do not agree on the potential impact of this missense change (SIFT: "Not Available"; PolyPhen-2: "Benign"; Align-GVGD: "Not Available"). In summary, the available evidence is currently insufficient to determine the role of this variant in disease. Therefore, it has been classified as a Variant of Uncertain Significance.